The following is an entry in ClinVar:

ClinVar aggregate classification (germline): Likely benign (0 of 4 stars; one submission).

Conditions:
PHIP-related disorder. Also called: PHIP-related disorders; PHIP-related condition.

Allele frequency attached by ClinVar (database versions not stated): TOPMed 0.00002; gnomAD 0.00003; gnomAD exomes 0.00003.
gnomAD v4.1: 43 of 1,561,352 alleles (0.0028%); highest among the groups gnomAD compares: Non-Finnish European, 0.0036%; no homozygotes.

Submission:

PreventionGenetics, part of Exact Sciences
Classification: Likely benign for PHIP-related condition. Last evaluated: 2024-02-07. Review status: no assertion criteria provided. Collection method: clinical testing. Allele origin: germline.
Comment: This variant is classified as likely benign based on ACMG/AMP sequence variant interpretation guidelines (Richards et al. 2015 PMID: 25741868, with internal and published modifications).

NM_017934.7(PHIP):c.4053+9T>C

Genes: IRAK1BP1 (interleukin 1 receptor associated kinase 1 binding protein 1; plus strand), PHIP (PHIP subunit of CUL4-Ring ligase complex; minus strand). Cytogenetic location: 6q14.1.
Variant type: single nucleotide variant.
Coding change: c.4053+9T>C on transcript NM_017934.7 (MANE Select); 9 bases into the intron after coding-DNA position 4053, T replaced by C.
Molecular consequence: intron variant.
Genome position (GRCh38, 1-based): chr6:78,954,805, A>G on the plus strand (T>C on the coding strand, the complement: PHIP is on the minus strand). VCF-style: chr6-78954805-A-G. GRCh37 (hg19) VCF-style: chr6-79664522-A-G.
Identifiers: ClinVar variation 3054439 (VCV003054439.2), dbSNP rs1463376178, ClinGen allele CA568275958.
Genomic context (GRCh38, chr6:78,954,805, plus strand): 5'-TAGCCAACTGTCATGTAAAAGGTATGTAGCAAACTGACAGGTAAAGAAAATATTTTCAAA[A>G]ATACTTACTGGATATTCAAGGAGATCTACCGGCTGACGGAAAGGCTCTGAATCTTCACAT-3'